The following is an entry in ClinVar:

NM_000260.4(MYO7A):c.5944+57G>A

Gene: MYO7A (myosin VIIA; plus strand). Cytogenetic location: 11q13.5.
Variant type: single nucleotide variant.
Coding change: c.5944+57G>A on transcript NM_000260.4 (MANE Select); 57 bases into the intron after coding-DNA position 5944, G replaced by A.
Molecular consequence: intron variant.
Genome position (GRCh38, 1-based): chr11:77,208,574, G>A. VCF-style: chr11-77208574-G-A. GRCh37 (hg19) VCF-style: chr11-76919619-G-A.
Other names: c.5797+57G>A (NM_001369365.1); c.5830+57G>A (NM_001127180.2).
Identifiers: ClinVar variation 674387 (VCV000674387.5), dbSNP rs948961, ClinGen allele CA13389090.

ClinVar aggregate classification (germline): Benign. Review status: criteria provided, multiple submitters, no conflicts (2 of 4 stars). 5 submissions from 3 submitters: Benign (5). Last evaluated 2021-07-01.

Conditions:
Usher syndrome type 1 (USH1). Also called: RETINITIS PIGMENTOSA AND CONGENITAL DEAFNESS. Identifiers: Orphanet 231169, Orphanet 886, MedGen C1568247, MONDO:0010168, OMIM 276900.
Autosomal dominant nonsyndromic hearing loss 11. Identifiers: Orphanet 90635, MedGen C1832475, MONDO:0011032, OMIM 601317.
Autosomal recessive nonsyndromic hearing loss 2. Also called: DEAFNESS, AUTOSOMAL RECESSIVE 2; NEUROSENSORY NONSYNDROMIC RECESSIVE DEAFNESS 2. Identifiers: Orphanet 90636, MedGen C1838701, MONDO:0010807, OMIM 600060.

Allele frequency attached by ClinVar (database versions not stated): 1000 Genomes Project 0.58586; 1000 Genomes Project 30x 0.59213; gnomAD 0.62230 and 0.63248; TOPMed 0.62889; ESP Exome Variant Server 0.63009; gnomAD exomes 0.57229.
gnomAD v4.1: 901,209 of 1,561,894 alleles (58%); highest among the groups gnomAD compares: African/African-American, 72%; 263,522 homozygotes.

Submissions (5):

Genome-Nilou Lab
Classification: Benign for Autosomal dominant nonsyndromic hearing loss 11. Last evaluated: 2021-07-01. Review status: criteria provided, single submitter. Criteria: ACMG Guidelines, 2015. Collection method: clinical testing. Allele origin: germline. Affected: no.

Genome-Nilou Lab
Classification: Benign for Autosomal recessive nonsyndromic hearing loss 2. Last evaluated: 2021-07-01. Review status: criteria provided, single submitter. Criteria: ACMG Guidelines, 2015. Collection method: clinical testing. Allele origin: germline. Affected: no.

Genome-Nilou Lab
Classification: Benign for Usher syndrome type 1. Last evaluated: 2021-07-01. Review status: criteria provided, single submitter. Criteria: ACMG Guidelines, 2015. Collection method: clinical testing. Allele origin: germline. Affected: no.

GeneDx
Classification: Benign. Last evaluated: 2018-06-13. Review status: criteria provided, single submitter. Criteria: GeneDx Variant Classification (06012015). Collection method: clinical testing. Allele origin: germline. Affected: yes.
Comment: This variant is considered likely benign or benign based on one or more of the following criteria: it is a conservative change, it occurs at a poorly conserved position in the protein, it is predicted to be benign by multiple in silico algorithms, and/or has population frequency not consistent with disease.

Breakthrough Genomics
Classification: Benign. Review status: criteria provided, single submitter. Criteria: ACMG Guidelines, 2015. Collection method: not provided. Allele origin: germline. Inheritance: Autosomal recessive inheritance. Affected: yes.